The following is an entry in ClinVar:

ClinVar aggregate classification (germline): Uncertain significance (1 of 4 stars; one submission).

Allele frequency attached by ClinVar (database versions not stated): TOPMed 0.00001; gnomAD 0.00002; ExAC 0.00004.

Submission:

Labcorp Genetics (formerly Invitae), Labcorp
Classification: Uncertain significance. Last evaluated: 2022-10-25. Review status: criteria provided, single submitter. Criteria: Invitae Variant Classification Sherloc (09022015). Collection method: clinical testing. Allele origin: germline.
Comment: This sequence change replaces tyrosine, which is neutral and polar, with cysteine, which is neutral and slightly polar, at codon 67 of the COQ7 protein (p.Tyr67Cys). This variant is present in population databases (rs763614450, gnomAD 0.007%). This variant has not been reported in the literature in individuals affected with COQ7-related conditions. Algorithms developed to predict the effect of missense changes on protein structure and function (SIFT, PolyPhen-2, Align-GVGD) all suggest that this variant is likely to be disruptive. In summary, the available evidence is currently insufficient to determine the role of this variant in disease. Therefore, it has been classified as a Variant of Uncertain Significance.

NM_016138.5(COQ7):c.200A>G (p.Tyr67Cys)

Gene: COQ7 (coenzyme Q7, hydroxylase; plus strand). Cytogenetic location: 16p12.3.
Variant type: single nucleotide variant.
Coding change: c.200A>G on transcript NM_016138.5 (MANE Select); coding-DNA position 200, A replaced by G.
Protein change: p.Tyr67Cys; replaces tyrosine 67 with cysteine.
Molecular consequence: missense variant. On other transcripts: non-coding transcript variant (3).
Genome position (GRCh38, 1-based): chr16:19,072,054, A>G. VCF-style: chr16-19072054-A-G. GRCh37 (hg19) VCF-style: chr16-19083376-A-G.
Other names: c.86A>G, p.Tyr29Cys (NM_001190983.2, NM_001370492.1, NM_001370493.1 and 2 more transcripts); c.158A>G, p.Tyr53Cys (NM_001370489.1, NM_001370491.1); c.200A>G, p.Tyr67Cys (NM_001370490.1); short protein forms Y53C, Y29C, Y67C.
Identifiers: ClinVar variation 1908021 (VCV001908021.2), dbSNP rs763614450, ClinGen allele CA7932914.